The following is an entry in ClinVar:

NM_003239.5(TGFB3):c.38C>T (p.Ala13Val)

Gene: TGFB3 (transforming growth factor beta 3; minus strand). Cytogenetic location: 14q24.3.
Variant type: single nucleotide variant.
Coding change: c.38C>T on transcript NM_003239.5 (MANE Select); coding-DNA position 38, C replaced by T.
Protein change: p.Ala13Val; replaces alanine 13 with valine.
Molecular consequence: missense variant.
Genome position (GRCh38, 1-based): chr14:75,980,856, G>A on the plus strand (C>T on the coding strand, the complement: TGFB3 is on the minus strand). VCF-style: chr14-75980856-G-A. GRCh37 (hg19) VCF-style: chr14-76447199-G-A.
Other names: c.38C>T, p.Ala13Val (NM_001329938.2, NM_001329939.2); short protein forms A13V.
Identifiers: ClinVar variation 3343413 (VCV003343413.1).
Genomic context (GRCh38, chr14:75,980,856, plus strand): 5'-CCGAAGTCCAAGGTGGTGCAAGTGGACAGAGAGAGGCTGACCGTGGCAAAGTTCAGCAGG[G>A]CCAGGACCACCAGAGCCCTTTGCAAGTGCATCTTCATGTGTGAGCTGGGAAGAGAGGCCA-3'
Protein context (NP_003230.1, residues 3-23): MHLQRALVVL[Ala13Val]LLNFATVSLS

ClinVar aggregate classification (germline): Uncertain significance (1 of 4 stars; one submission).

Submission:

GeneDx
Classification: Uncertain significance. Last evaluated: 2023-05-10. Review status: criteria provided, single submitter. Criteria: GeneDx Variant Classification Process June 2021. Collection method: clinical testing. Allele origin: germline. Affected: yes.
Comment: Not observed at significant frequency in large population cohorts (gnomAD); In silico analysis supports that this missense variant does not alter protein structure/function; Has not been previously published as pathogenic or benign to our knowledge